The following is an entry in ClinVar:

NM_178857.6(RP1L1):c.4486A>C (p.Thr1496Pro)

Gene: RP1L1 (RP1 like 1). Cytogenetic location: 8p23.1.
Variant type: single nucleotide variant.
Coding change: c.4486A>C on transcript NM_178857.6 (MANE Select); coding-DNA position 4486, A replaced by C.
Protein change: p.Thr1496Pro; replaces threonine 1496 with proline.
Molecular consequence: missense variant.
Genome position (GRCh38, 1-based): chr8:10,609,612, T>G on the plus strand (A>C on the coding strand, the complement: RP1L1 is on the minus strand). VCF-style: chr8-10609612-T-G. GRCh37 (hg19) VCF-style: chr8-10467122-T-G.
Other names: c.4486A>C (NM_178857.5); short protein forms T1496P.
Identifiers: ClinVar variation 810252 (VCV000810252.45), dbSNP rs759412489, ClinGen allele CA4624006.
Genomic context (GRCh38, chr8:10,609,612, plus strand): 5'-GGTCGCAGTCCAGAGCCGCGCTGCAGGCCACCGAAGAGCTCCTCTCTGCAGCCCCCTGGG[T>G]GGGTTGGGCCTGCGTGTGCTCTTGGCCCATCATGGTGGCTCCGGGCGGCTTTTCCAAACC-3'
Protein context (NP_849188.4, residues 1486-1506): MGQEHTQAQP[Thr1496Pro]QGAAERSSSV

ClinVar aggregate classification (germline): Conflicting classifications of pathogenicity. Review status: criteria provided, conflicting classifications (1 of 4 stars). 3 submissions from 3 submitters: Uncertain significance (2); Likely benign (1). Last evaluated 2024-12-27.

Conditions:
Inborn genetic diseases. Identifiers: MedGen C0950123, MeSH D030342.
RP1L1-related disorder. Also called: RP1L1-related condition.

Allele frequency attached by ClinVar (database versions not stated): ExAC 0.00001; TOPMed 0.00003; gnomAD 0.00004; gnomAD exomes 0.00004.
gnomAD v4.1: 69 of 1,607,138 alleles (0.0043%); highest among the groups gnomAD compares: Non-Finnish European, 0.0056%; no homozygotes.

Submissions (3):

PreventionGenetics, part of Exact Sciences
Classification: Uncertain significance for RP1L1-related condition. Last evaluated: 2024-12-27. Review status: criteria provided, single submitter. Criteria: ACMG Guidelines, 2015. Collection method: clinical testing. Allele origin: germline.
Comment: The RP1L1 c.4486A>C variant is predicted to result in the amino acid substitution p.Thr1496Pro. This variant was reported, along with a second rare variant in RP1L1, in an individual with Stargardt disease; however, this individual already harbored known causative variants in ABCA4 (supplementary data, Weisschuh et al. 2024. PubMed ID: 37734845). This variant is reported in 0.0081% of alleles in individuals of European (Non-Finnish) descent in gnomAD. At this time, the clinical significance of this variant is uncertain due to the absence of conclusive functional and genetic evidence.

Ambry Genetics
Classification: Likely benign for Inborn genetic diseases. Last evaluated: 2023-06-07. Review status: criteria provided, single submitter. Criteria: Ambry Variant Classification Scheme 2023. Collection method: clinical testing. Allele origin: germline.

CeGaT Center for Human Genetics Tuebingen
Classification: Uncertain significance. Last evaluated: 2016-11-01. Review status: criteria provided, single submitter. Criteria: CeGaT Center For Human Genetics Tuebingen Variant Classification Criteria Version 2. Collection method: clinical testing. Allele origin: germline. Affected: yes. Observed: 1 variant allele.